The following is an entry in ClinVar:

NM_019032.6(ADAMTSL4):c.2087C>A (p.Ser696Ter)

Genes: ADAMTSL4 (ADAMTS like 4; plus strand), ADAMTSL4-AS2 (ADAMTSL4 antisense RNA 2; minus strand). Cytogenetic location: 1q21.2.
Variant type: single nucleotide variant.
Coding change: c.2087C>A on transcript NM_019032.6 (MANE Select); coding-DNA position 2087, C replaced by A.
Protein change: p.Ser696Ter; replaces serine 696 with a stop codon.
Molecular consequence: nonsense.
Genome position (GRCh38, 1-based): chr1:150,557,533, C>A. VCF-style: chr1-150557533-C-A. GRCh37 (hg19) VCF-style: chr1-150530009-C-A.
Other names: c.1970C>A, p.Ser657Ter (NM_001288607.2); c.2156C>A, p.Ser719Ter (NM_001288608.2); c.2087C>A, p.Ser696Ter (NM_001378596.1, NM_025008.5); short protein forms S696*, S657*, S719*.
Identifiers: ClinVar variation 620489 (VCV000620489.4), dbSNP rs115937511, ClinGen allele CA342314084.

ClinVar aggregate classification (germline): Pathogenic. Review status: criteria provided, multiple submitters, no conflicts (2 of 4 stars). 2 submissions from 2 submitters: Pathogenic (2). Last evaluated 2023-08-30.

Submissions (2):

Labcorp Genetics (formerly Invitae), Labcorp
Classification: Pathogenic. Last evaluated: 2023-08-30. Review status: criteria provided, single submitter. Criteria: Invitae Variant Classification Sherloc (09022015). Collection method: clinical testing. Allele origin: germline.
Comment: ClinVar contains an entry for this variant (Variation ID: 620489). Algorithms developed to predict the effect of sequence changes on RNA splicing suggest that this variant may disrupt the consensus splice site. For these reasons, this variant has been classified as Pathogenic. This sequence change creates a premature translational stop signal (p.Ser696*) in the ADAMTSL4 gene. It is expected to result in an absent or disrupted protein product. Loss-of-function variants in ADAMTSL4 are known to be pathogenic (PMID: 20564469, 28642162). This variant is not present in population databases (gnomAD no frequency). This variant has not been reported in the literature in individuals affected with ADAMTSL4-related conditions.

GeneDx
Classification: Pathogenic. Last evaluated: 2018-12-05. Review status: criteria provided, single submitter. Criteria: GeneDx Variant Classification (06012015). Collection method: clinical testing. Allele origin: germline. Affected: yes.
Comment: The S696X pathogenic variant in the ADAMTSL4 gene has not been reported previously as a pathogenic variant, nor as a benign variant, to our knowledge. This variant is predicted to cause loss of normal protein function either through protein truncation or nonsense-mediated mRNA decay. The S696X variant is not observed in large population cohorts (Lek et al., 2016). We interpret S696X as a pathogenic variant.

Literature cited by the submitters: PubMed 20564469 (cited by Labcorp Genetics (formerly Invitae), Labcorp); PubMed 28642162 (cited by Labcorp Genetics (formerly Invitae), Labcorp).